The following is an entry in ClinVar:

ClinVar aggregate classification (germline): Pathogenic (0 of 4 stars; one submission).

Conditions:
Bleeding disorder, platelet-type, 24. Also called: GLANZMANN THROMBASTHENIA-LIKE WITH MACROTHROMBOCYTOPENIA 2. Identifiers: MedGen C5543280, MONDO:0030996, OMIM 619271.

Allele frequency attached by ClinVar (database versions not stated): gnomAD exomes below 0.00001.
gnomAD v4.1: 2 of 1,612,802 alleles (0.00012%); highest among the groups gnomAD compares: Non-Finnish European, 0.000085%; no homozygotes.

Submission:

Unidade de Genética Molecular, Centro Hospitalar Universitário do Porto
Classification: Pathogenic for Bleeding disorder, platelet-type, 24. Last evaluated: 2022-07-07. Review status: no assertion criteria provided. Collection method: research. Allele origin: maternal. Inheritance: Autosomal dominant inheritance. Affected: yes. Observed: 1 heterozygote.
Comment: PVS1, PM2, PP3

NM_000212.3(ITGB3):c.1036-2A>G

Gene: ITGB3 (integrin subunit beta 3; plus strand). Cytogenetic location: 17q21.32.
Variant type: single nucleotide variant.
Coding change: c.1036-2A>G on transcript NM_000212.3 (MANE Select); the canonical splice acceptor site of the intron before coding-DNA position 1036, A replaced by G.
Molecular consequence: splice acceptor variant.
Genome position (GRCh38, 1-based): chr17:47,290,183, A>G. VCF-style: chr17-47290183-A-G. GRCh37 (hg19) VCF-style: chr17-45367549-A-G.
Identifiers: ClinVar variation 1693575 (VCV001693575.3), dbSNP rs1567765995, ClinGen allele CA400025923.